The following is an entry in ClinVar:

ClinVar aggregate classification (germline): Uncertain significance (1 of 4 stars; one submission).

Conditions:
Arrhythmogenic right ventricular dysplasia 13. Also called: ARRHYTHMOGENIC RIGHT VENTRICULAR CARDIOMYOPATHY 13; Arrhythmogenic right ventricular dysplasia, familial, 13. Identifiers: MedGen C3810138, MONDO:0000908, OMIM 615616.

Submission:

Labcorp Genetics (formerly Invitae), Labcorp
Classification: Uncertain significance for Arrhythmogenic right ventricular dysplasia 13. Last evaluated: 2025-04-17. Review status: criteria provided, single submitter. Criteria: Invitae Variant Classification Sherloc (09022015). Collection method: clinical testing. Allele origin: germline.
Comment: This sequence change replaces leucine, which is neutral and non-polar, with arginine, which is basic and polar, at codon 399 of the CTNNA3 protein (p.Leu399Arg). This variant is not present in population databases (gnomAD no frequency). This variant has not been reported in the literature in individuals affected with CTNNA3-related conditions. Invitae Evidence Modeling of protein sequence and biophysical properties (such as structural, functional, and spatial information, amino acid conservation, physicochemical variation, residue mobility, and thermodynamic stability) indicates that this missense variant is expected to disrupt CTNNA3 protein function with a positive predictive value of 80%. In summary, the available evidence is currently insufficient to determine the role of this variant in disease. Therefore, it has been classified as a Variant of Uncertain Significance.

NM_013266.4(CTNNA3):c.1196T>G (p.Leu399Arg)

Gene: CTNNA3 (catenin alpha 3; minus strand). Cytogenetic location: 10q21.3.
Variant type: single nucleotide variant.
Coding change: c.1196T>G on transcript NM_013266.4 (MANE Select); coding-DNA position 1196, T replaced by G.
Protein change: p.Leu399Arg; replaces leucine 399 with arginine.
Molecular consequence: missense variant.
Genome position (GRCh38, 1-based): chr10:66,766,349, A>C on the plus strand (T>G on the coding strand, the complement: CTNNA3 is on the minus strand). VCF-style: chr10-66766349-A-C. GRCh37 (hg19) VCF-style: chr10-68526107-A-C.
Other names: c.1196T>G, p.Leu399Arg (NM_001127384.3); short protein forms L399R.
Identifiers: ClinVar variation 4751664 (VCV004751664.1).